The following is an entry in ClinVar:

NM_001365536.1(SCN9A):c.4399-10_4399-7del

Genes: SCN1A-AS1 (SCN1A and SCN9A antisense RNA 1; plus strand), SCN9A (sodium voltage-gated channel alpha subunit 9; minus strand). Cytogenetic location: 2q24.3.
Variant type: Microsatellite.
Coding change: c.4399-10_4399-7del on transcript NM_001365536.1 (MANE Select); 10 bases into the intron before coding-DNA position 4399 through 7 bases into the intron before coding-DNA position 4399, 4 bases deleted (GTTT; older notation c.4399-10_4399-7delGTTT).
Molecular consequence: intron variant.
Genome position (GRCh38, 1-based): chr2:166,204,471-166,204,474, AAAC deleted on the plus strand (GTTT on the coding strand, the reverse complement: SCN9A is on the minus strand); deleting any 4 consecutive bases within chr2:166,204,471-166,204,481 gives the same sequence; the c. name uses the placement nearest the transcript's 3' end. VCF-style (leftmost placement, unchanged base first): chr2-166204470-GAAAC-G. GRCh37 (hg19) VCF-style: chr2-167060980-GAAAC-G.
Other names: c.4366-10_4366-7delGTTT (NM_002977.3); c.4366-10_4366-7del (NM_002977.4).
Identifiers: ClinVar variation 167657 (VCV000167657.26), dbSNP rs77944059, ClinGen allele CA180415.

ClinVar aggregate classification (germline): Benign/Likely benign. Review status: criteria provided, multiple submitters, no conflicts (2 of 4 stars). 13 submissions from 11 submitters: Benign (10); Likely benign (1). 2 of the submissions do not count toward it. Last evaluated 2026-02-04.

Conditions:
Channelopathy-associated congenital insensitivity to pain, autosomal recessive. Also called: ASYMBOLIA FOR PAIN; CONGENITAL ANALGESIA, AUTOSOMAL RECESSIVE; Insensitivity to pain, channelopathy-associated. Identifiers: Orphanet 88642, Orphanet 970, MedGen C1855739, MONDO:0009459, OMIM 243000.
Paroxysmal extreme pain disorder (PEXPD). Also called: SCN9A Paroxysmal Extreme Pain Disorder (SCN9A-PEPD); PAIN, SUBMANDIBULAR, OCULAR, AND RECTAL, WITH FLUSHING; RECTAL PAIN, FAMILIAL. Identifiers: Orphanet 46348, MedGen C1833661, MONDO:0008179, OMIM 167400.
Primary erythromelalgia. Also called: SCN9A Erythromelalgia (SCN9A-EM); primary erythermalgia. Identifiers: Orphanet 306577, Orphanet 90026, MedGen C0014805, MONDO:0007571, OMIM 133020.
Generalized epilepsy with febrile seizures plus, type 7 (GEFSP7). Also called: GEFS+, TYPE 7. Identifiers: Orphanet 36387, MedGen C2751778, MONDO:0013470, OMIM 613863.
Neuropathy, hereditary sensory and autonomic, type 2A (HSAN2A). Also called: ACROOSTEOLYSIS, GIACCAI TYPE; ACROOSTEOLYSIS, NEUROGENIC; MORVAN DISEASE; NEUROPATHY, HEREDITARY SENSORY, TYPE IIA; NEUROPATHY, PROGRESSIVE SENSORY, OF CHILDREN; NEUROPATHY, CONGENITAL SENSORY. Identifiers: Orphanet 970, MedGen C2752089, MONDO:0024309, OMIM 201300.

Submissions (13):

Labcorp Genetics (formerly Invitae), Labcorp
Classification: Benign for Neuropathy, hereditary sensory and autonomic, type 2A; Generalized epilepsy with febrile seizures plus, type 7. Last evaluated: 2026-02-04. Review status: criteria provided, single submitter. Criteria: Invitae Variant Classification Sherloc (09022015). Collection method: clinical testing. Allele origin: germline.

Blueprint Genetics
Classification: Likely benign. Last evaluated: 2024-11-26. Review status: criteria provided, single submitter. Criteria: ACMG Guidelines, 2015. Collection method: clinical testing. Allele origin: germline.

Unidad de Genómica Garrahan, Hospital de Pediatría Garrahan
Classification: Benign. Last evaluated: 2024-07-15. Review status: criteria provided, single submitter. Criteria: ACMG Guidelines, 2015. Collection method: clinical testing. Allele origin: germline. Affected: no. Observed: 83 variant alleles.
Comment: This variant is classified as Benign based on local population frequency. This variant was detected in 89% of patients studied in a panel designed for Epileptic and Developmental Encephalopathy and Progressive Myoclonus Epilepsy. Number of patients: 83. Only high quality variants are reported.

Genome-Nilou Lab
Classification: Benign for Primary erythromelalgia. Last evaluated: 2021-07-15. Review status: criteria provided, single submitter. Criteria: ACMG Guidelines, 2015. Collection method: clinical testing. Allele origin: germline. Affected: no.

Genome-Nilou Lab
Classification: Benign for Channelopathy-associated congenital insensitivity to pain, autosomal recessive. Last evaluated: 2021-07-15. Review status: criteria provided, single submitter. Criteria: ACMG Guidelines, 2015. Collection method: clinical testing. Allele origin: germline. Affected: no.

Genome-Nilou Lab
Classification: Benign for Paroxysmal extreme pain disorder. Last evaluated: 2021-07-15. Review status: criteria provided, single submitter. Criteria: ACMG Guidelines, 2015. Collection method: clinical testing. Allele origin: germline. Affected: no.

Mayo Clinic Laboratories, Mayo Clinic
Classification: Benign. Last evaluated: 2018-06-22. Review status: criteria provided, single submitter. Criteria: ACMG Guidelines, 2015. Collection method: clinical testing. Allele origin: germline. Observed: 1,921 variant alleles.

Athena Diagnostics
Classification: Benign. Last evaluated: 2018-05-06. Review status: criteria provided, single submitter. Criteria: Athena Diagnostics Criteria. Collection method: clinical testing. Allele origin: germline.

GeneDx
Classification: Benign. Last evaluated: 2015-03-03. Review status: criteria provided, single submitter. Criteria: GeneDx Variant Classification Process June 2021. Collection method: clinical testing. Allele origin: germline. Affected: yes.
Comment: This variant is associated with the following publications: (PMID: 27884173, 17470132, 23129781)

Eurofins Ntd Llc (ga)
Classification: Benign. Last evaluated: 2014-01-27. Review status: criteria provided, single submitter. Criteria: EGL Classification Definitions 2015. Collection method: clinical testing. Allele origin: germline. Observed: 10 variant alleles, 2 heterozygotes, 8 homozygotes.

PreventionGenetics, part of Exact Sciences
Classification: Benign. Review status: criteria provided, single submitter. Criteria: ACMG Guidelines, 2015. Collection method: clinical testing. Allele origin: germline.

Genome Diagnostics Laboratory, University Medical Center Utrecht
Classification: Benign. Review status: no assertion criteria provided. Collection method: clinical testing. Allele origin: germline. Affected: yes. Study: VKGL Data-share Consensus. Not counted in ClinVar's aggregate classification.

Joint Genome Diagnostic Labs from Nijmegen and Maastricht, Radboudumc and MUMC+
Classification: Benign. Review status: no assertion criteria provided. Collection method: clinical testing. Allele origin: germline. Affected: yes. Study: VKGL Data-share Consensus. Not counted in ClinVar's aggregate classification.